The following is an entry in ClinVar:

NM_017654.4(SAMD9):c.1112A>G (p.Glu371Gly)

Gene: SAMD9 (sterile alpha motif domain containing 9; minus strand). Cytogenetic location: 7q21.2.
Variant type: single nucleotide variant.
Coding change: c.1112A>G on transcript NM_017654.4 (MANE Select); coding-DNA position 1112, A replaced by G.
Protein change: p.Glu371Gly; replaces glutamic acid 371 with glycine.
Molecular consequence: missense variant.
Genome position (GRCh38, 1-based): chr7:93,104,986, T>C on the plus strand (A>G on the coding strand, the complement: SAMD9 is on the minus strand). VCF-style: chr7-93104986-T-C. GRCh37 (hg19) VCF-style: chr7-92734299-T-C.
Other names: c.1112A>G, p.Glu371Gly (NM_001193307.2); short protein forms E371G.
Identifiers: ClinVar variation 4629863 (VCV004629863.1).

ClinVar aggregate classification (germline): Uncertain significance (1 of 4 stars; one submission).

Conditions:
Inborn genetic diseases. Identifiers: MedGen C0950123, MeSH D030342.

Submission:

Ambry Genetics
Classification: Uncertain significance for Inborn genetic diseases. Last evaluated: 2025-10-10. Review status: criteria provided, single submitter. Criteria: Ambry Variant Classification Scheme 2023. Collection method: clinical testing. Allele origin: germline.
Comment: The p.E371G variant (also known as c.1112A>G), located in coding exon 1 of the SAMD9 gene, results from an A to G substitution at nucleotide position 1112. The glutamic acid at codon 371 is replaced by glycine, an amino acid with similar properties. This amino acid position is conserved. In addition, this alteration is predicted to be tolerated by in silico analysis. Based on the available evidence, the clinical significance of this variant remains unclear.